The following is an entry in ClinVar:

ClinVar aggregate classification (germline): Benign/Likely benign. Review status: criteria provided, multiple submitters, no conflicts (2 of 4 stars). 5 submissions from 5 submitters: Benign (1); Likely benign (4). Last evaluated 2025-12-22.

Conditions:
Inborn genetic diseases. Identifiers: MedGen C0950123, MeSH D030342.

Allele frequency attached by ClinVar (database versions not stated): gnomAD exomes 0.00015 and 0.00017; TOPMed 0.00015; 1000 Genomes Project 30x 0.00016; gnomAD 0.00016; 1000 Genomes Project 0.00020; ExAC 0.00022; ESP Exome Variant Server 0.00032.
gnomAD v4.1: 234 of 1,612,292 alleles (0.015%); highest among the groups gnomAD compares: South Asian, 0.054%; 1 homozygote.

Submissions (5):

Labcorp Genetics (formerly Invitae), Labcorp
Classification: Likely benign. Last evaluated: 2025-12-22. Review status: criteria provided, single submitter. Criteria: Invitae Variant Classification Sherloc (09022015). Collection method: clinical testing. Allele origin: germline.

Laboratory of Genetics, Children's Clinical University Hospital Latvia
Classification: Benign. Last evaluated: 2025-02-16. Review status: criteria provided, single submitter. Criteria: ACMG Guidelines, 2015. Collection method: clinical testing. Allele origin: germline. Affected: yes.

Blueprint Genetics
Classification: Likely benign. Last evaluated: 2024-09-22. Review status: criteria provided, single submitter. Criteria: ACMG Guidelines, 2015. Collection method: clinical testing. Allele origin: germline.

CeGaT Center for Human Genetics Tuebingen
Classification: Likely benign. Last evaluated: 2024-04-01. Review status: criteria provided, single submitter. Criteria: CeGaT Center For Human Genetics Tuebingen Variant Classification Criteria Version 2. Collection method: clinical testing. Allele origin: germline. Affected: yes. Observed: 1 variant allele.
Comment: CACNA1E: BS1

Ambry Genetics
Classification: Likely benign for Inborn genetic diseases. Last evaluated: 2023-10-06. Review status: criteria provided, single submitter. Criteria: Ambry Variant Classification Scheme 2023. Collection method: clinical testing. Allele origin: germline.

NM_001205293.3(CACNA1E):c.6325G>C (p.Ala2109Pro)

Gene: CACNA1E (calcium voltage-gated channel subunit alpha1 E; plus strand). Cytogenetic location: 1q25.3.
Variant type: single nucleotide variant.
Coding change: c.6325G>C on transcript NM_001205293.3 (MANE Select); coding-DNA position 6325, G replaced by C.
Protein change: p.Ala2109Pro; replaces alanine 2109 with proline.
Molecular consequence: missense variant.
Genome position (GRCh38, 1-based): chr1:181,796,784, G>C. VCF-style: chr1-181796784-G-C. GRCh37 (hg19) VCF-style: chr1-181765920-G-C.
Other names: c.6196G>C, p.Ala2066Pro (NM_000721.4); c.6139G>C, p.Ala2047Pro (NM_001205294.2); c.6325G>C (NM_001205293.1); short protein forms A2047P, A2066P, A2109P.
Identifiers: ClinVar variation 1579786 (VCV001579786.31), dbSNP rs201622587, ClinGen allele CA1276376.